The following is an entry in ClinVar:

NM_001822.7(CHN1):c.886+15G>A

Gene: CHN1 (chimerin 1; minus strand). Cytogenetic location: 2q31.1.
Variant type: single nucleotide variant.
Coding change: c.886+15G>A on transcript NM_001822.7 (MANE Select); 15 bases into the intron after coding-DNA position 886, G replaced by A.
Molecular consequence: intron variant.
Genome position (GRCh38, 1-based): chr2:174,812,294, C>T on the plus strand (G>A on the coding strand, the complement: CHN1 is on the minus strand). VCF-style: chr2-174812294-C-T. GRCh37 (hg19) VCF-style: chr2-175677022-C-T.
Other names: c.808+15G>A (NM_001025201.4); c.886+15G>A (NM_001371513.1); c.937+15G>A (NM_001371514.1); c.511+15G>A (NM_001206602.2).
Identifiers: ClinVar variation 332464 (VCV000332464.10), dbSNP rs12613075, ClinGen allele CA1974887.

ClinVar aggregate classification (germline): Benign. Review status: criteria provided, multiple submitters, no conflicts (2 of 4 stars). 4 submissions from 4 submitters: Benign (4). Last evaluated 2024-11-26.

Conditions:
Duane retraction syndrome 2. Identifiers: Orphanet 233, MedGen C0751083, MONDO:0011444, OMIM 604356.

Allele frequency attached by ClinVar (database versions not stated): 1000 Genomes Project 30x 0.32511; 1000 Genomes Project 0.33686; TOPMed 0.33872; gnomAD 0.35597 and 0.36243; ESP Exome Variant Server 0.35958; gnomAD exomes 0.42554 and 0.47374; ExAC 0.43354.
gnomAD v4.1: 738,603 of 1,596,542 alleles (46%); highest among the groups gnomAD compares: Non-Finnish European, 50%; 178,494 homozygotes.

Submissions (4):

Blueprint Genetics
Classification: Benign. Last evaluated: 2024-11-26. Review status: criteria provided, single submitter. Criteria: ACMG Guidelines, 2015. Collection method: clinical testing. Allele origin: germline.

Genome-Nilou Lab
Classification: Benign for Duane retraction syndrome 2. Last evaluated: 2021-07-22. Review status: criteria provided, single submitter. Criteria: ACMG Guidelines, 2015. Collection method: clinical testing. Allele origin: germline. Affected: no.

Illumina Laboratory Services, Illumina
Classification: Benign for Duane retraction syndrome 2. Last evaluated: 2018-01-13. Review status: criteria provided, single submitter. Criteria: ICSL Variant Classification Criteria 13 December 2019. Collection method: clinical testing. Allele origin: germline.
Comment: This variant was observed in the ICSL laboratory as part of a predisposition screen in an ostensibly healthy population. It had not been previously curated by ICSL or reported in the Human Gene Mutation Database (HGMD: prior to June 1st, 2018), and was therefore a candidate for classification through an automated scoring system. Utilizing variant allele frequency, disease prevalence and penetrance estimates, and inheritance mode, an automated score was calculated to assess if this variant is too frequent to cause the disease. Based on the score and internal cut-off values, a variant classified as benign is not then subjected to further curation. The score for this variant resulted in a classification of benign for this disease.

Breakthrough Genomics
Classification: Benign. Review status: criteria provided, single submitter. Criteria: ACMG Guidelines, 2015. Collection method: not provided. Allele origin: germline. Inheritance: Autosomal dominant inheritance. Affected: yes.